The following is an entry in ClinVar:

NM_000204.5(CFI):c.79del (p.Asp27fs)

Gene: CFI (complement factor I; minus strand). Cytogenetic location: 4q25.
Variant type: Deletion.
Coding change: c.79del on transcript NM_000204.5 (MANE Select); coding-DNA position 79, one base deleted (G; older notation c.79delG).
Protein change: p.Asp27fs; shifts the reading frame from aspartic acid 27.
Molecular consequence: frameshift variant. On other transcripts: non-coding transcript variant (3), intron variant (1).
Genome position (GRCh38, 1-based): chr4:109,766,803, C deleted on the plus strand (G on the coding strand, the reverse complement: CFI is on the minus strand); the first of 2 consecutive C bases (chr4:109,766,803-109,766,804); deleting either gives the same sequence. VCF-style (leftmost placement, unchanged base first): chr4-109766802-TC-T. GRCh37 (hg19) VCF-style: chr4-110687958-TC-T.
Other names: c.79del, p.Asp27fs (NM_001318057.2, NM_001331035.2, NM_001375278.1 and 5 more transcripts); c.-127-5111del (NM_001375284.1); short protein forms D27fs.
Identifiers: ClinVar variation 3061879 (VCV003061879.1), dbSNP rs2545457659, ClinGen allele CA2740091558.
Genomic context (GRCh38, chr4:109,766,802, plus strand): 5'-AAGACTTTATCGCAGGAGAGGTGAGTATATTTTTTTGCTAAGCACTTTTTCTCCACCAGA[TC>T]CTCTTGAGATGTATAAGTGACCTGTAAAATGCAAAATAAACATTAACTTAGCAACAAATT-3'

ClinVar aggregate classification (germline): Pathogenic (1 of 4 stars; one submission).

Conditions:
Atypical hemolytic-uremic syndrome with I factor anomaly. Also called: HEMOLYTIC UREMIC SYNDROME, ATYPICAL, SUSCEPTIBILITY TO, 3; AHUS, SUSCEPTIBILITY TO, 3. Identifiers: Orphanet 2134, MedGen C2752039, MONDO:0013041, OMIM 612923.

Submission:

MVZ Medizinische Genetik Mainz
Classification: Pathogenic for Atypical hemolytic-uremic syndrome with I factor anomaly. Last evaluated: 2022-03-31. Review status: criteria provided, single submitter. Criteria: UK Practice Guidelines For Variant Classification V4 01 2020. Collection method: clinical testing. Allele origin: germline. Inheritance: Autosomal dominant inheritance. Observed: 1 variant allele.
Comment: PVS1, PM2_SUP, PP4